The following is an entry in ClinVar:

ClinVar aggregate classification (germline): Uncertain significance. Review status: criteria provided, multiple submitters, no conflicts (2 of 4 stars). 6 submissions from 6 submitters: Uncertain significance (6). Last evaluated 2025-04-02.

Conditions:
DDX41-related hematologic malignancy predisposition syndrome. Also called: DDX41-Associated Familial Myelodysplastic Syndrome and Acute Myeloid Leukemia; Myeloproliferative/lymphoproliferative neoplasms, familial (multiple types), susceptibility to. Identifiers: Orphanet 488647, MedGen C4225174, MONDO:0014809, OMIM 616871.
Inborn genetic diseases. Identifiers: MedGen C0950123, MeSH D030342.

Allele frequency attached by ClinVar (database versions not stated): ExAC 0.00002; gnomAD 0.00003; TOPMed 0.00004; gnomAD exomes 0.00005.

Submissions (6):

Labcorp Genetics (formerly Invitae), Labcorp
Classification: Uncertain significance. Last evaluated: 2025-04-02. Review status: criteria provided, single submitter. Criteria: Invitae Variant Classification Sherloc (09022015). Collection method: clinical testing. Allele origin: germline.
Comment: This sequence change replaces arginine, which is basic and polar, with histidine, which is basic and polar, at codon 219 of the DDX41 protein (p.Arg219His). This variant is present in population databases (rs754196793, gnomAD 0.006%). This missense change has been observed in individual(s) with clinical features of DDX41-related conditions (PMID: 31484648, 35443031, 35671390, 36322930, 37199125, 37506341, 37665752). ClinVar contains an entry for this variant (Variation ID: 2574743). An algorithm developed to predict the effect of missense changes on protein structure and function (PolyPhen-2) suggests that this variant is likely to be disruptive. In summary, the available evidence is currently insufficient to determine the role of this variant in disease. Therefore, it has been classified as a Variant of Uncertain Significance.

Ambry Genetics
Classification: Uncertain significance for Inborn genetic diseases. Last evaluated: 2024-10-31. Review status: criteria provided, single submitter. Criteria: Ambry Variant Classification Scheme 2023. Collection method: clinical testing. Allele origin: germline.
Comment: The p.R219H variant (also known as c.656G>A), located in coding exon 8 of the DDX41 gene, results from a G to A substitution at nucleotide position 656. The arginine at codon 219 is replaced by histidine, an amino acid with highly similar properties. This alteration has been reported as a presumed germline finding in numerous individuals with a suspected or confirmed myeloid neoplasm (S&eacute;bert M et al. Blood, 2019 Oct;134:1441-1444; Duployez N et al. Blood, 2022 Aug;140:756-768; Makishima H et al. Blood, 2023 Feb;141:534-549; Badar T et al. Haematologica, 2023 Nov;108:3033-3043). This amino acid position is highly conserved in available vertebrate species. In addition, the in silico prediction for this alteration is inconclusive. Based on the available evidence, the clinical significance of this variant remains unclear.

Molecular Pathology, Peter Maccallum Cancer Centre
Classification: Uncertain significance for DDX41-related hematologic malignancy predisposition syndrome. Last evaluated: 2024-10-22. Review status: criteria provided, single submitter. Criteria: ACMG Guidelines, 2015. Collection method: clinical testing. Allele origin: germline.

Baylor Genetics
Classification: Uncertain significance for DDX41-related hematologic malignancy predisposition syndrome. Last evaluated: 2024-03-10. Review status: criteria provided, single submitter. Criteria: ACMG Guidelines, 2015. Collection method: clinical testing. Allele origin: unknown.

GeneDx
Classification: Uncertain significance. Last evaluated: 2023-10-16. Review status: criteria provided, single submitter. Criteria: GeneDx Variant Classification Process June 2021. Collection method: clinical testing. Allele origin: germline. Affected: yes.
Comment: In silico analysis supports that this missense variant has a deleterious effect on protein structure/function; Identified in patients in the literature with MDS/AML or pancytopenia (Sebert et al., 2019; Li et al., 2022); This variant is associated with the following publications: (PMID: 27721487, 36672294, 36455200, 31484648, 35443031, 35671390)

Blueprint Genetics
Classification: Uncertain significance. Last evaluated: 2021-04-20. Review status: criteria provided, single submitter. Criteria: ACMG Guidelines, 2015. Collection method: clinical testing. Allele origin: germline.

Literature cited by the submitters: PubMed 31484648 (cited by Labcorp Genetics (formerly Invitae), Labcorp and Ambry Genetics); PubMed 35443031 (cited by Labcorp Genetics (formerly Invitae), Labcorp and Ambry Genetics); PubMed 35671390 (cited by Labcorp Genetics (formerly Invitae), Labcorp and Ambry Genetics); PubMed 36322930 (cited by Labcorp Genetics (formerly Invitae), Labcorp and Ambry Genetics); PubMed 37199125 (cited by Labcorp Genetics (formerly Invitae), Labcorp and Ambry Genetics); PubMed 37506341 (cited by Labcorp Genetics (formerly Invitae), Labcorp); PubMed 37665752 (cited by Labcorp Genetics (formerly Invitae), Labcorp).

NM_016222.4(DDX41):c.656G>A (p.Arg219His)

Gene: DDX41 (DEAD-box helicase 41; minus strand). Cytogenetic location: 5q35.3.
Variant type: single nucleotide variant.
Coding change: c.656G>A on transcript NM_016222.4 (MANE Select); coding-DNA position 656, G replaced by A.
Protein change: p.Arg219His; replaces arginine 219 with histidine.
Molecular consequence: missense variant.
Genome position (GRCh38, 1-based): chr5:177,515,058, C>T on the plus strand (G>A on the coding strand, the complement: DDX41 is on the minus strand). VCF-style: chr5-177515058-C-T. GRCh37 (hg19) VCF-style: chr5-176942059-C-T.
Other names: c.278G>A, p.Arg93His (NM_001321732.2, NM_001321830.2); short protein forms R219H, R93H.
Identifiers: ClinVar variation 2574743 (VCV002574743.10), dbSNP rs754196793, ClinGen allele CA3585061.
Genomic context (GRCh38, chr5:177,515,058, plus strand): 5'-ACGGGCAACGTGAACACCAGTGTCTTGCCTGAACCCGTGAAAGCGATGCCTATCATGTCA[C>T]GGCCAGATAGACTGTTGGGAGAGGATGACCCGAGGGCCAATTTCAACAGAAGATGAAGGA-3'
Protein context (NP_057306.2, residues 209-229): IQGIPTILSG[Arg219His]DMIGIAFTGS